The following is an entry in ClinVar:

NM_003705.5(SLC25A12):c.751+6A>T

Gene: SLC25A12 (solute carrier family 25 member 12; minus strand). Cytogenetic location: 2q31.1.
Variant type: single nucleotide variant.
Coding change: c.751+6A>T on transcript NM_003705.5 (MANE Select); 6 bases into the intron after coding-DNA position 751, A replaced by T.
Molecular consequence: intron variant.
Genome position (GRCh38, 1-based): chr2:171,834,721, T>A on the plus strand (A>T on the coding strand, the complement: SLC25A12 is on the minus strand). VCF-style: chr2-171834721-T-A. GRCh37 (hg19) VCF-style: chr2-172691231-T-A.
Identifiers: ClinVar variation 4776978 (VCV004776978.1).

ClinVar aggregate classification (germline): Uncertain significance (1 of 4 stars; one submission).

Submission:

Labcorp Genetics (formerly Invitae), Labcorp
Classification: Uncertain significance. Last evaluated: 2025-10-08. Review status: criteria provided, single submitter. Criteria: Invitae Variant Classification Sherloc (09022015). Collection method: clinical testing. Allele origin: germline.
Comment: This sequence change falls in intron 7 of the SLC25A12 gene. It does not directly change the encoded amino acid sequence of the SLC25A12 protein. It affects a nucleotide within the consensus splice site. This variant is not present in population databases (gnomAD no frequency). This variant has not been reported in the literature in individuals affected with SLC25A12-related conditions. Variants that disrupt the consensus splice site are a relatively common cause of aberrant splicing (PMID: 17576681, 9536098). Algorithms developed to predict the effect of sequence changes on RNA splicing suggest that this variant is not likely to affect RNA splicing. In summary, the available evidence is currently insufficient to determine the role of this variant in disease. Therefore, it has been classified as a Variant of Uncertain Significance.

Literature cited by the submitters: PubMed 17576681; PubMed 9536098.